The following is an entry in ClinVar:

NM_000038.6(APC):c.802G>C (p.Glu268Gln)

Gene: APC (APC regulator of Wnt signaling pathway; plus strand). Cytogenetic location: 5q22.2.
Variant type: single nucleotide variant.
Coding change: c.802G>C on transcript NM_000038.6 (MANE Select); coding-DNA position 802, G replaced by C.
Protein change: p.Glu268Gln; replaces glutamic acid 268 with glutamine.
Molecular consequence: missense variant. On other transcripts: 5 prime UTR variant (4), non-coding transcript variant (2).
Genome position (GRCh38, 1-based): chr5:112,801,351, G>C. VCF-style: chr5-112801351-G-C. GRCh37 (hg19) VCF-style: chr5-112137048-G-C.
Other names: c.802G>C, p.Glu268Gln (NM_001127510.3, NM_001354895.2, NM_001354896.2 and 12 more transcripts); c.748G>C, p.Glu250Gln (NM_001127511.3); c.832G>C, p.Glu278Gln (NM_001354897.2, NM_001354902.2, NM_001407446.1); c.727G>C, p.Glu243Gln (NM_001354898.2, NM_001354904.2, NM_001407451.1); c.718G>C, p.Glu240Gln (NM_001354899.2, NM_001407452.1, NM_001407467.1 and 1 more transcripts); c.625G>C, p.Glu209Gln (NM_001354900.2, NM_001354901.2, NM_001354905.2 and 1 more transcripts); c.-234G>C (NM_001354906.2, NM_001407470.1, NM_001407471.1 and 1 more transcripts); short protein forms E209Q, E240Q, E243Q, E250Q, E268Q, E278Q.
Identifiers: ClinVar variation 4861957 (VCV004861957.1).
Genomic context (GRCh38, chr5:112,801,351, plus strand): 5'-AACAAGCATGAAACCGGCTCACATGATGCTGAGCGGCAGAATGAAGGTCAAGGAGTGGGA[G>C]AAATCAACATGGCAACTTCTGGTAATGGTCAGGTAAATAAATTATTTTATCATATTTTTT-3'
Protein context (NP_000029.2, residues 258-278): ERQNEGQGVG[Glu268Gln]INMATSGNGQ

ClinVar aggregate classification (germline): Uncertain significance (1 of 4 stars; one submission).

Conditions:
Hereditary cancer-predisposing syndrome. Also called: Neoplastic Syndromes, Hereditary; Tumor predisposition; Hereditary Cancer Syndrome; Hereditary neoplastic syndrome. Identifiers: Orphanet 140162, MedGen C0027672, MeSH D009386, MONDO:0015356.

Submission:

Ambry Genetics
Classification: Uncertain significance for Hereditary cancer-predisposing syndrome. Last evaluated: 2026-06-03. Review status: criteria provided, single submitter. Criteria: Ambry Variant Classification Scheme 2023. Collection method: clinical testing. Allele origin: germline.
Comment: The p.E268Q variant (also known as c.802G>C), located in coding exon 7 of the APC gene, results from a G to C substitution at nucleotide position 802. The glutamic acid at codon 268 is replaced by glutamine, an amino acid with highly similar properties. This amino acid position is conserved. In addition, in silico predictors for this gene do not accurately predict pathogenicity. Based on the available evidence, the clinical significance of this variant remains unclear.